The following is an entry in ClinVar:

NM_000465.4(BARD1):c.700G>C (p.Glu234Gln)

Gene: BARD1 (BRCA1 associated RING domain 1; minus strand). Cytogenetic location: 2q35.
Variant type: single nucleotide variant.
Coding change: c.700G>C on transcript NM_000465.4 (MANE Select); coding-DNA position 700, G replaced by C.
Protein change: p.Glu234Gln; replaces glutamic acid 234 with glutamine.
Molecular consequence: missense variant. On other transcripts: non-coding transcript variant (2), intron variant (3).
Genome position (GRCh38, 1-based): chr2:214,781,174, C>G on the plus strand (G>C on the coding strand, the complement: BARD1 is on the minus strand). VCF-style: chr2-214781174-C-G. GRCh37 (hg19) VCF-style: chr2-215645898-C-G.
Other names: c.643G>C, p.Glu215Gln (NM_001282543.2); c.158+28238G>C (NM_001282548.2); c.215+15887G>C (NM_001282545.2); c.364+11123G>C (NM_001282549.2); short protein forms E215Q, E234Q.
Identifiers: ClinVar variation 662567 (VCV000662567.11), dbSNP rs905491643, ClinGen allele CA350456349.

ClinVar aggregate classification (germline): Uncertain significance (1 of 4 stars; one submission).

Conditions:
Familial cancer of breast. Also called: BREAST CANCER, FAMILIAL; hereditary breast carcinoma; Hereditary breast cancer. Identifiers: Orphanet 227535, MedGen C0346153, MONDO:0016419, OMIM 114480. Disease mechanism: loss of function.

Submission:

Labcorp Genetics (formerly Invitae), Labcorp
Classification: Uncertain significance for Familial cancer of breast. Last evaluated: 2019-10-31. Review status: criteria provided, single submitter. Criteria: Invitae Variant Classification Sherloc (09022015). Collection method: clinical testing. Allele origin: germline.
Comment: This sequence change replaces glutamic acid with glutamine at codon 234 of the BARD1 protein (p.Glu234Gln). The glutamic acid residue is moderately conserved and there is a small physicochemical difference between glutamic acid and glutamine. This variant is not present in population databases (ExAC no frequency). This variant has not been reported in the literature in individuals with BARD1-related disease. Algorithms developed to predict the effect of missense changes on protein structure and function (SIFT, PolyPhen-2, Align-GVGD) all suggest that this variant is likely to be tolerated, but these predictions have not been confirmed by published functional studies and their clinical significance is uncertain. In summary, the available evidence is currently insufficient to determine the role of this variant in disease. Therefore, it has been classified as a Variant of Uncertain Significance.